The following is an entry in ClinVar:

NM_000478.6(ALPL):c.1361del (p.His454fs)

Gene: ALPL (alkaline phosphatase, biomineralization associated; plus strand). Cytogenetic location: 1p36.12.
Variant type: Deletion.
Coding change: c.1361del on transcript NM_000478.6 (MANE Select); coding-DNA position 1361, one base deleted (A; older notation c.1361delA).
Protein change: p.His454fs; shifts the reading frame from histidine 454.
Molecular consequence: frameshift variant.
Genome position (GRCh38, 1-based): chr1:21,577,434, A deleted. VCF-style (leftmost placement, unchanged base first): chr1-21577433-CA-C. GRCh37 (hg19) VCF-style: chr1-21903926-CA-C.
Other names: c.1196del, p.His399fs (NM_001127501.4); c.1130del, p.His377fs (NM_001177520.3); c.1361del, p.His454fs (NM_001369803.2, NM_001369804.2, NM_001369805.2); c.1361delA (NM_000478.6); short protein forms H377fs, H399fs, H454fs.
Identifiers: ClinVar variation 2637771 (VCV002637771.1), dbSNP rs2545350581, ClinGen allele CA2695197980.

ClinVar aggregate classification (germline): Pathogenic (1 of 4 stars; one submission).

Conditions:
Hypophosphatasia. Also called: Phosphoethanol-aminuria. Identifiers: Orphanet 436, MedGen C0020630, MeSH D007014, MONDO:0018570.

Submission:

Women's Health and Genetics/Laboratory Corporation of America, LabCorp
Classification: Pathogenic for Hypophosphatasia. Last evaluated: 2023-10-17. Review status: criteria provided, single submitter. Criteria: LabCorp Variant Classification Summary - May 2015. Collection method: clinical testing. Allele origin: germline.
Comment: Variant summary: ALPL c.1361delA (p.His454ProfsX30) results in a premature termination codon, predicted to cause a truncation of the encoded protein. Although NMD is not expected several variants downstream of this position have been classified as pathogenic by our laboratory. The variant was absent in 245200 control chromosomes. To our knowledge, no occurrence of c.1361delA in individuals affected with Hypophosphatasia and no experimental evidence demonstrating its impact on protein function have been reported. No submitters have cited clinical-significance assessments for this variant to ClinVar after 2014. Based on the evidence outlined above, the variant was classified as pathogenic.